The following is an entry in ClinVar:

NM_182493.3(MYLK3):c.626C>T (p.Ala209Val)

Gene: MYLK3 (myosin light chain kinase 3; minus strand). Cytogenetic location: 16q11.2.
Variant type: single nucleotide variant.
Coding change: c.626C>T on transcript NM_182493.3 (MANE Select); coding-DNA position 626, C replaced by T.
Protein change: p.Ala209Val; replaces alanine 209 with valine.
Molecular consequence: missense variant. On other transcripts: intron variant (1).
Genome position (GRCh38, 1-based): chr16:46,738,086, G>A on the plus strand (C>T on the coding strand, the complement: MYLK3 is on the minus strand). VCF-style: chr16-46738086-G-A. GRCh37 (hg19) VCF-style: chr16-46771998-G-A.
Other names: p.Ala209Val; c.-23+1971C>T (NM_001308301.1); short protein forms A209V.
Identifiers: ClinVar variation 2683361 (VCV002683361.4), dbSNP rs752745921, ClinGen allele CA395794590.

ClinVar aggregate classification (germline): Uncertain significance. Review status: criteria provided, multiple submitters, no conflicts (2 of 4 stars). 2 submissions from 2 submitters: Uncertain significance (2). Last evaluated 2025-04-01.

gnomAD v4.1: 7 of 1,594,866 alleles (0.00044%); highest among the groups gnomAD compares: South Asian, 0.0022%; no homozygotes.

Submissions (2):

Labcorp Genetics (formerly Invitae), Labcorp
Classification: Uncertain significance. Last evaluated: 2025-04-01. Review status: criteria provided, single submitter. Criteria: Invitae Variant Classification Sherloc (09022015). Collection method: clinical testing. Allele origin: germline.
Comment: This sequence change replaces alanine, which is neutral and non-polar, with valine, which is neutral and non-polar, at codon 209 of the MYLK3 protein (p.Ala209Val). The frequency data for this variant in the population databases is considered unreliable, as metrics indicate poor data quality at this position in the gnomAD database. This variant has not been reported in the literature in individuals affected with MYLK3-related conditions. ClinVar contains an entry for this variant (Variation ID: 2683361). An algorithm developed to predict the effect of missense changes on protein structure and function (PolyPhen-2) suggests that this variant is likely to be tolerated. In summary, the available evidence is currently insufficient to determine the role of this variant in disease. Therefore, it has been classified as a Variant of Uncertain Significance.

Mayo Clinic Laboratories, Mayo Clinic
Classification: Uncertain significance. Last evaluated: 2023-02-07. Review status: criteria provided, single submitter. Criteria: ACMG Guidelines, 2015. Collection method: clinical testing. Allele origin: germline. Observed: 1 variant allele.
Comment: BP4